The following is an entry in ClinVar:

ClinVar aggregate classification (germline): Conflicting classifications of pathogenicity. Review status: criteria provided, conflicting classifications (1 of 4 stars). 4 submissions from 4 submitters: Uncertain significance (3); Likely benign (1). Last evaluated 2025-07-07.

Conditions:
Inborn genetic diseases. Identifiers: MedGen C0950123, MeSH D030342.
Perry syndrome. Also called: PARKINSONISM WITH ALVEOLAR HYPOVENTILATION AND MENTAL DEPRESSION. Identifiers: Orphanet 178509, MedGen C1868594, MONDO:0008201, OMIM 168605.
Amyotrophic lateral sclerosis type 1 (ALS1). Also called: AMYOTROPHIC LATERAL SCLEROSIS 1, FAMILIAL. Identifiers: Orphanet 803, MedGen C1862939, MONDO:0007103, OMIM 105400.
Neuronopathy, distal hereditary motor, type 7B. Also called: Distal Hereditary Motor Neuronopathy Type 7B (dHMN7B); HMN VIIB; LOWER MOTOR NEURON DISEASE, DYNACTIN TYPE; NEURONOPATHY, DISTAL HEREDITARY MOTOR, AUTOSOMAL DOMINANT 14; NEURONOPATHY, DISTAL HEREDITARY MOTOR, HARDING TYPE VIIB; NEUROPATHY, DISTAL HEREDITARY MOTOR, HARDING TYPE VIIB. Identifiers: Orphanet 139589, MedGen C1843315, MONDO:0011879, OMIM 607641.
DCTN1-related disorder. Also called: DCTN1-related condition.

Allele frequency attached by ClinVar (database versions not stated): gnomAD 0.00001; gnomAD exomes 0.00001 and 0.00005; ExAC 0.00002; TOPMed 0.00005.
gnomAD v4.1: 17 of 1,613,968 alleles (0.0011%); highest among the groups gnomAD compares: Admixed American, 0.028%; no homozygotes.

Submissions (4):

PreventionGenetics, part of Exact Sciences
Classification: Uncertain significance for DCTN1-related condition. Last evaluated: 2025-07-07. Review status: criteria provided, single submitter. Criteria: ACMG Guidelines, 2015. Collection method: clinical testing. Allele origin: germline.
Comment: The DCTN1 c.2883T>G variant is predicted to result in the amino acid substitution p.Ile961Met. To our knowledge, this variant has not been reported in the literature. This variant is reported in 0.035% of alleles in individuals of Latino descent in gnomAD. At this time, the clinical significance of this variant is uncertain due to the absence of conclusive functional and genetic evidence.

Ambry Genetics
Classification: Likely benign for Inborn genetic diseases. Last evaluated: 2024-05-31. Review status: criteria provided, single submitter. Criteria: Ambry Variant Classification Scheme 2023. Collection method: clinical testing. Allele origin: germline.

Labcorp Genetics (formerly Invitae), Labcorp
Classification: Uncertain significance for Amyotrophic lateral sclerosis type 1; Neuronopathy, distal hereditary motor, type 7B; Perry syndrome. Last evaluated: 2024-05-13. Review status: criteria provided, single submitter. Criteria: Invitae Variant Classification Sherloc (09022015). Collection method: clinical testing. Allele origin: germline.
Comment: This sequence change replaces isoleucine, which is neutral and non-polar, with methionine, which is neutral and non-polar, at codon 961 of the DCTN1 protein (p.Ile961Met). This variant is present in population databases (rs754893423, gnomAD 0.04%). This variant has not been reported in the literature in individuals affected with DCTN1-related conditions. ClinVar contains an entry for this variant (Variation ID: 662814). Advanced modeling of protein sequence and biophysical properties (such as structural, functional, and spatial information, amino acid conservation, physicochemical variation, residue mobility, and thermodynamic stability) performed at Invitae indicates that this missense variant is not expected to disrupt DCTN1 protein function with a negative predictive value of 80%. In summary, the available evidence is currently insufficient to determine the role of this variant in disease. Therefore, it has been classified as a Variant of Uncertain Significance.

Mayo Clinic Laboratories, Mayo Clinic
Classification: Uncertain significance. Last evaluated: 2019-09-25. Review status: criteria provided, single submitter. Criteria: ACMG Guidelines, 2015. Collection method: clinical testing. Allele origin: germline. Observed: 1 variant allele.

NM_004082.5(DCTN1):c.2883T>G (p.Ile961Met)

Gene: DCTN1 (dynactin subunit 1; minus strand). Cytogenetic location: 2p13.1.
Variant type: single nucleotide variant.
Coding change: c.2883T>G on transcript NM_004082.5 (MANE Select); coding-DNA position 2883, T replaced by G.
Protein change: p.Ile961Met; replaces isoleucine 961 with methionine.
Molecular consequence: missense variant. On other transcripts: non-coding transcript variant (1).
Genome position (GRCh38, 1-based): chr2:74,365,896, A>C on the plus strand (T>G on the coding strand, the complement: DCTN1 is on the minus strand). VCF-style: chr2-74365896-A-C. GRCh37 (hg19) VCF-style: chr2-74593023-A-C.
Other names: c.2823T>G, p.Ile941Met (NM_001135040.3); c.2481T>G, p.Ile827Met (NM_001135041.3, NM_023019.4); c.2772T>G, p.Ile924Met (NM_001190836.2); c.2862T>G, p.Ile954Met (NM_001190837.2); c.2832T>G, p.Ile944Met (NM_001378991.1); c.2814T>G, p.Ile938Met (NM_001378992.1); short protein forms I961M, I941M, I954M, I827M, I924M, I938M, I944M.
Identifiers: ClinVar variation 662814 (VCV000662814.14), dbSNP rs754893423, ClinGen allele CA1721696.